The following is an entry in ClinVar:

NM_000081.4(LYST):c.1729G>A (p.Val577Ile)

Gene: LYST (lysosomal trafficking regulator; minus strand). Cytogenetic location: 1q42.3.
Variant type: single nucleotide variant.
Coding change: c.1729G>A on transcript NM_000081.4 (MANE Select); coding-DNA position 1729, G replaced by A.
Protein change: p.Val577Ile; replaces valine 577 with isoleucine.
Molecular consequence: missense variant.
Genome position (GRCh38, 1-based): chr1:235,809,089, C>T on the plus strand (G>A on the coding strand, the complement: LYST is on the minus strand). VCF-style: chr1-235809089-C-T. GRCh37 (hg19) VCF-style: chr1-235972389-C-T.
Other names: c.1729G>A, p.Val577Ile (NM_001301365.1); short protein forms V577I.
Identifiers: ClinVar variation 1992227 (VCV001992227.2), dbSNP rs1673176181, ClinGen allele CA344961773.

ClinVar aggregate classification (germline): Uncertain significance (1 of 4 stars; one submission).

Conditions:
Chédiak-Higashi syndrome (CHS). Also called: Chediak-Higashi Syndrome. Identifiers: Orphanet 167, MedGen C0007965, MONDO:0008963, OMIM 214500.

Submission:

Labcorp Genetics (formerly Invitae), Labcorp
Classification: Uncertain significance for Chédiak-Higashi syndrome. Last evaluated: 2022-01-06. Review status: criteria provided, single submitter. Criteria: Invitae Variant Classification Sherloc (09022015). Collection method: clinical testing. Allele origin: germline.
Comment: In summary, the available evidence is currently insufficient to determine the role of this variant in disease. Therefore, it has been classified as a Variant of Uncertain Significance. Algorithms developed to predict the effect of missense changes on protein structure and function output the following: SIFT: "Tolerated"; PolyPhen-2: "Benign"; Align-GVGD: "Class C0". The isoleucine amino acid residue is found in multiple mammalian species, which suggests that this missense change does not adversely affect protein function. This variant has not been reported in the literature in individuals affected with LYST-related conditions. This variant is not present in population databases (gnomAD no frequency). This sequence change replaces valine, which is neutral and non-polar, with isoleucine, which is neutral and non-polar, at codon 577 of the LYST protein (p.Val577Ile).